The following is an entry in ClinVar:

NM_001112741.2(KCNC1):c.1585G>A (p.Asp529Asn)

Gene: KCNC1 (potassium voltage-gated channel subfamily C member 1; plus strand). Cytogenetic location: 11p15.1.
Variant type: single nucleotide variant.
Coding change: c.1585G>A on transcript NM_001112741.2 (MANE Select); coding-DNA position 1585, G replaced by A.
Protein change: p.Asp529Asn; replaces aspartic acid 529 with asparagine.
Molecular consequence: missense variant.
Genome position (GRCh38, 1-based): chr11:17,779,536, G>A. VCF-style: chr11-17779536-G-A. GRCh37 (hg19) VCF-style: chr11-17801083-G-A.
Other names: short protein forms D529N.
Identifiers: ClinVar variation 590165 (VCV000590165.11), dbSNP rs927483438, ClinGen allele CA218475263.

ClinVar aggregate classification (germline): Conflicting classifications of pathogenicity. Review status: criteria provided, conflicting classifications (1 of 4 stars). 2 submissions from 2 submitters: Uncertain significance (1); Likely benign (1). Last evaluated 2025-03-07.

Conditions:
Inborn genetic diseases. Identifiers: MedGen C0950123, MeSH D030342.
Progressive myoclonic epilepsy type 7. Identifiers: Orphanet 435438, MedGen C4015420, MONDO:0014521, OMIM 616187.

Allele frequency attached by ClinVar (database versions not stated): gnomAD 0.00004; gnomAD exomes 0.00004; TOPMed 0.00004.

Submissions (2):

Ambry Genetics
Classification: Likely benign for Inborn genetic diseases. Last evaluated: 2025-03-07. Review status: criteria provided, single submitter. Criteria: Ambry Variant Classification Scheme 2023. Collection method: clinical testing. Allele origin: germline.

Labcorp Genetics (formerly Invitae), Labcorp
Classification: Uncertain significance for Progressive myoclonic epilepsy type 7. Last evaluated: 2022-08-09. Review status: criteria provided, single submitter. Criteria: Invitae Variant Classification Sherloc (09022015). Collection method: clinical testing. Allele origin: germline.
Comment: This sequence change replaces aspartic acid, which is acidic and polar, with asparagine, which is neutral and polar, at codon 529 of the KCNC1 protein (p.Asp529Asn). This variant is present in population databases (no rsID available, gnomAD 0.009%). This variant has not been reported in the literature in individuals affected with KCNC1-related conditions. ClinVar contains an entry for this variant (Variation ID: 590165). Algorithms developed to predict the effect of missense changes on protein structure and function are either unavailable or do not agree on the potential impact of this missense change (SIFT: "Deleterious"; PolyPhen-2: "Possibly Damaging"; Align-GVGD: "Class C0"). In summary, the available evidence is currently insufficient to determine the role of this variant in disease. Therefore, it has been classified as a Variant of Uncertain Significance.